The following is an entry in ClinVar:

NM_001363711.2(DUOX2):c.1939G>T (p.Val647Leu)

Gene: DUOX2 (dual oxidase 2; minus strand). Cytogenetic location: 15q21.1.
Variant type: single nucleotide variant.
Coding change: c.1939G>T on transcript NM_001363711.2 (MANE Select); coding-DNA position 1939, G replaced by T.
Protein change: p.Val647Leu; replaces valine 647 with leucine.
Molecular consequence: missense variant.
Genome position (GRCh38, 1-based): chr15:45,106,534, C>A on the plus strand (G>T on the coding strand, the complement: DUOX2 is on the minus strand). VCF-style: chr15-45106534-C-A. GRCh37 (hg19) VCF-style: chr15-45398732-C-A.
Other names: c.1939G>T, p.Val647Leu (NM_014080.5); short protein forms V647L.
Identifiers: ClinVar variation 4768386 (VCV004768386.1).

ClinVar aggregate classification (germline): Uncertain significance (1 of 4 stars; one submission).

gnomAD v4.1: 5 of 1,614,168 alleles (0.00031%); highest among the groups gnomAD compares: Non-Finnish European, 0.00042%; no homozygotes.

Submission:

Labcorp Genetics (formerly Invitae), Labcorp
Classification: Uncertain significance. Last evaluated: 2025-11-27. Review status: criteria provided, single submitter. Criteria: Invitae Variant Classification Sherloc (09022015). Collection method: clinical testing. Allele origin: germline.
Comment: This sequence change replaces valine, which is neutral and non-polar, with leucine, which is neutral and non-polar, at codon 647 of the DUOX2 protein (p.Val647Leu). This variant is not present in population databases (gnomAD no frequency). This variant has not been reported in the literature in individuals affected with DUOX2-related conditions. Invitae Evidence Modeling of protein sequence and biophysical properties (such as structural, functional, and spatial information, amino acid conservation, physicochemical variation, residue mobility, and thermodynamic stability) indicates that this missense variant is not expected to disrupt DUOX2 protein function with a negative predictive value of 80%. In summary, the available evidence is currently insufficient to determine the role of this variant in disease. Therefore, it has been classified as a Variant of Uncertain Significance.